The following is an entry in ClinVar:

NM_004415.4(DSP):c.4958A>G (p.Glu1653Gly)

Gene: DSP (desmoplakin; plus strand). Cytogenetic location: 6p24.3.
Variant type: single nucleotide variant.
Coding change: c.4958A>G on transcript NM_004415.4 (MANE Select); coding-DNA position 4958, A replaced by G.
Protein change: p.Glu1653Gly; replaces glutamic acid 1653 with glycine.
Molecular consequence: missense variant. On other transcripts: intron variant (2).
Genome position (GRCh38, 1-based): chr6:7,581,148, A>G. VCF-style: chr6-7581148-A-G. GRCh37 (hg19) VCF-style: chr6-7581381-A-G.
Other names: c.4050+908A>G (NM_001319034.2); c.3582+1376A>G (NM_001008844.3); short protein forms E1653G.
Identifiers: ClinVar variation 3069496 (VCV003069496.1), dbSNP rs2533931069, ClinGen allele CA362687535.

ClinVar aggregate classification (germline): Uncertain significance (1 of 4 stars; one submission).

Conditions:
Arrhythmogenic cardiomyopathy with wooly hair and keratoderma. Also called: Carvajal syndrome; PALMOPLANTAR KERATODERMA WITH LEFT VENTRICULAR CARDIOMYOPATHY AND WOOLLY HAIR; Dilated cardiomyopathy with woolly hair and keratoderma; Arrhythmogenic cardiomyopathy with woolly hair and keratoderma. Identifiers: Orphanet 65282, MedGen C1854063, MONDO:0011581, OMIM 605676.

Submission:

All of Us Research Program, National Institutes of Health
Classification: Uncertain significance for Arrhythmogenic cardiomyopathy with wooly hair and keratoderma. Last evaluated: 2023-02-24. Review status: criteria provided, single submitter. Criteria: ACMG Guidelines, 2015. Collection method: clinical testing. Allele origin: germline. Inheritance: Autosomal dominant inheritance. Observed: 1 variant allele, 1 heterozygote.
Comment: This missense variant replaces glutamic acid with glycine at codon 1653 of the DSP protein. Computational prediction suggests that this variant may not impact protein structure and function (internally defined REVEL score threshold <= 0.5, PMID: 27666373). To our knowledge, functional studies have not been reported for this variant. This variant has not been reported in individuals affected with DSP-related disorders in the literature. This variant has not been identified in the general population by the Genome Aggregation Database (gnomAD). The available evidence is insufficient to determine the role of this variant in disease conclusively. Therefore, this variant is classified as a Variant of Uncertain Significance.

This study involves interpretation of variants in research participants for the purpose of population health screening. Participant phenotype was not available at the time of variant classification. Additional details can be found in publication PMID: 35346344, PMCID: PMC8962531